The following is an entry in ClinVar:

NM_177438.3(DICER1):c.2034C>T (p.Ser678=)

Gene: DICER1 (dicer 1, ribonuclease III; minus strand). Cytogenetic location: 14q32.13.
Variant type: single nucleotide variant.
Coding change: c.2034C>T on transcript NM_177438.3 (MANE Select); coding-DNA position 2034, C replaced by T.
Protein change: p.Ser678=; no amino-acid change (serine 678 retained).
Molecular consequence: synonymous variant. On other transcripts: non-coding transcript variant (6).
Genome position (GRCh38, 1-based): chr14:95,113,098, G>A on the plus strand (C>T on the coding strand, the complement: DICER1 is on the minus strand). VCF-style: chr14-95113098-G-A. GRCh37 (hg19) VCF-style: chr14-95579435-G-A.
Other names: c.2034C>T, p.Ser678= (NM_001195573.1, NM_001271282.3, NM_001291628.2 and 13 more transcripts); c.1752C>T, p.Ser584= (NM_001395686.1); c.1629C>T, p.Ser543= (NM_001395687.1, NM_001395688.1, NM_001395689.1 and 3 more transcripts); c.1467C>T, p.Ser489= (NM_001395691.1); c.351C>T, p.Ser117= (NM_001395697.1).
Identifiers: ClinVar variation 2108547 (VCV002108547.6), dbSNP rs1292602527, ClinGen allele CA487629889.

ClinVar aggregate classification (germline): Benign/Likely benign. Review status: criteria provided, multiple submitters, no conflicts (2 of 4 stars). 3 submissions from 3 submitters: Benign (1); Likely benign (2). Last evaluated 2026-04-16.

Conditions:
DICER1-related tumor predisposition. Also called: DICER1-related pleuropulmonary blastoma cancer predisposition syndrome; DICER1 syndrome. Identifiers: Orphanet 284343, MedGen C3839822, MONDO:0100216.
Hereditary cancer-predisposing syndrome. Also called: Tumor predisposition; Hereditary Cancer Syndrome; Hereditary neoplastic syndrome; Neoplastic Syndromes, Hereditary. Identifiers: Orphanet 140162, MedGen C0027672, MeSH D009386, MONDO:0015356.

Submissions (3):

Myriad Genetics, Inc.
Classification: Benign for DICER1-related tumor predisposition. Last evaluated: 2026-04-16. Review status: criteria provided, single submitter. Criteria: Myriad Autosomal Dominant, Autosomal Recessive and X-Linked Classification Criteria (2023). Collection method: clinical testing. Allele origin: unknown.
Comment: This variant is considered benign. This variant is a silent/synonymous amino acid change and it is not expected to impact splicing.

Ambry Genetics
Classification: Likely benign for Hereditary cancer-predisposing syndrome. Last evaluated: 2025-05-02. Review status: criteria provided, single submitter. Criteria: Ambry Variant Classification Scheme 2023. Collection method: clinical testing. Allele origin: germline.

Labcorp Genetics (formerly Invitae), Labcorp
Classification: Likely benign for DICER1-related tumor predisposition. Last evaluated: 2024-02-12. Review status: criteria provided, single submitter. Criteria: Invitae Variant Classification Sherloc (09022015). Collection method: clinical testing. Allele origin: germline.